The following is an entry in ClinVar:

NM_206933.4(USH2A):c.4000A>T (p.Lys1334Ter)

Genes: USH2A (usherin; minus strand), USH2A-AS1 (USH2A antisense RNA 1; plus strand). Cytogenetic location: 1q41.
Variant type: single nucleotide variant.
Coding change: c.4000A>T on transcript NM_206933.4 (MANE Select); coding-DNA position 4000, A replaced by T.
Protein change: p.Lys1334Ter; replaces lysine 1334 with a stop codon.
Molecular consequence: nonsense.
Genome position (GRCh38, 1-based): chr1:216,198,396, T>A on the plus strand (A>T on the coding strand, the complement: USH2A is on the minus strand). VCF-style: chr1-216198396-T-A. GRCh37 (hg19) VCF-style: chr1-216371738-T-A.
Other names: c.4000A>T, p.Lys1334Ter (NM_007123.6); short protein forms K1334*.
Identifiers: ClinVar variation 1724049 (VCV001724049.2), dbSNP rs2528041334, ClinGen allele CA344867016.

ClinVar aggregate classification (germline): Likely pathogenic (1 of 4 stars; one submission).

Conditions:
Usher syndrome type 2A. Also called: RETINAL DISEASE IN USHER SYNDROME TYPE IIA, MODIFIER OF; USHER SYNDROME, TYPE IIA. Identifiers: Orphanet 231178, Orphanet 886, MedGen C1848634, MONDO:0010169, OMIM 276901.

Submission:

Myriad Genetics, Inc.
Classification: Likely pathogenic for Usher syndrome type 2A. Last evaluated: 2022-01-24. Review status: criteria provided, single submitter. Criteria: Myriad Women's Health Autosomal Recessive and X-Linked Classification Criteria (2021). Collection method: clinical testing. Allele origin: unknown.
Comment: NM_206933.2(USH2A):c.4000A>T(K1334*) is expected to be pathogenic in the context of USH2A-related disorders. This variant is predicted to lead to an abnormal or absent protein product due to the creation of a premature termination codon in USH2A, a gene where loss-of-function variants are known to be pathogenic. Please note: this variant was assessed in the context of healthy population screening.